The following is an entry in ClinVar:

NM_017951.5(SMPD4):c.515del (p.Pro172fs)

Gene: SMPD4 (sphingomyelin phosphodiesterase 4; minus strand). Cytogenetic location: 2q21.1.
Variant type: Deletion.
Coding change: c.515del on transcript NM_017951.5 (MANE Select); coding-DNA position 515, one base deleted (C; older notation c.515delC).
Protein change: p.Pro172fs; shifts the reading frame from proline 172.
Molecular consequence: frameshift variant. On other transcripts: non-coding transcript variant (2).
Genome position (GRCh38, 1-based): chr2:130,172,493, G deleted on the plus strand (C on the coding strand, the reverse complement: SMPD4 is on the minus strand); the first of 2 consecutive G bases (chr2:130,172,493-130,172,494); deleting either gives the same sequence. VCF-style (leftmost placement, unchanged base first): chr2-130172492-AG-A. GRCh37 (hg19) VCF-style: chr2-130930065-AG-A.
Other names: c.413del, p.Pro138fs (NM_001171083.2); c.632del, p.Pro211fs (NM_017751.4); short protein forms P172fs, P211fs, P138fs.
Identifiers: ClinVar variation 5029992 (VCV005029992.1).
Genomic context (GRCh38, chr2:130,172,492, plus strand): 5'-CAGGTACCTGTCCACCAGGATGAAATAGGCACAGTCTGAAGTACGGACGTGGAGGGACAC[AG>A]GAAGTGGCTGGAAAACCAAGCTAGTTGTTAGCATGGGCTCTGGACACTGCCAGGCCACCA-3'

ClinVar aggregate classification (germline): Pathogenic (1 of 4 stars; one submission).

Conditions:
Inborn genetic diseases. Identifiers: MedGen C0950123, MeSH D030342.

Submission:

Ambry Genetics
Classification: Pathogenic for Inborn genetic diseases. Last evaluated: 2026-07-13. Review status: criteria provided, single submitter. Criteria: Ambry Variant Classification Scheme 2023. Collection method: clinical testing. Allele origin: germline.
Comment: The c.632delC (p.P211Lfs*66) alteration, located in exon 8 (coding exon 8) of the SMPD4 gene, consists of a deletion of one nucleotide at position 632, causing a translational frameshift with a predicted alternate stop codon after 66 amino acids. This variant is expected to result in loss of function by premature protein truncation or nonsense-mediated mRNA decay. Based on data from gnomAD, this allele has an overall frequency of <0.001% (1/249540) total alleles studied. The highest observed frequency was 0.001% (1/112816) of European (non-Finnish) alleles. Based on the available evidence, this alteration is classified as pathogenic.